The following is an entry in ClinVar:

ClinVar aggregate classification (germline): Uncertain significance (1 of 4 stars; one submission).

Conditions:
Early-infantile DEE. Also called: Early infantile epileptic encephalopathy; Ohtahara syndrome; Early infantile epileptic encephalopathy with suppression bursts. Identifiers: Orphanet 1934, MedGen C0393706, MONDO:0800491.

Allele frequency attached by ClinVar (database versions not stated): gnomAD exomes below 0.00001; TOPMed below 0.00001.
gnomAD v4.1: 4 of 1,613,982 alleles (0.00025%); highest among the groups gnomAD compares: Non-Finnish European, 0.00034%; no homozygotes.

Submission:

Labcorp Genetics (formerly Invitae), Labcorp
Classification: Uncertain significance for Early-infantile DEE. Last evaluated: 2023-04-29. Review status: criteria provided, single submitter. Criteria: Invitae Variant Classification Sherloc (09022015). Collection method: clinical testing. Allele origin: germline.
Comment: This sequence change replaces aspartic acid, which is acidic and polar, with histidine, which is basic and polar, at codon 1101 of the SCN1A protein (p.Asp1101His). This variant is not present in population databases (gnomAD no frequency). This variant has not been reported in the literature in individuals affected with SCN1A-related conditions. ClinVar contains an entry for this variant (Variation ID: 2041819). Advanced modeling of protein sequence and biophysical properties (such as structural, functional, and spatial information, amino acid conservation, physicochemical variation, residue mobility, and thermodynamic stability) has been performed at Invitae for this missense variant, however the output from this modeling did not meet the statistical confidence thresholds required to predict the impact of this variant on SCN1A protein function. In summary, the available evidence is currently insufficient to determine the role of this variant in disease. Therefore, it has been classified as a Variant of Uncertain Significance.

NM_001165963.4(SCN1A):c.3301G>C (p.Asp1101His)

Genes: SCN1A (sodium voltage-gated channel alpha subunit 1; minus strand), LOC102724058 (uncharacterized LOC102724058; plus strand). Cytogenetic location: 2q24.3.
Variant type: single nucleotide variant.
Coding change: c.3301G>C on transcript NM_001165963.4 (MANE Select); coding-DNA position 3301, G replaced by C.
Protein change: p.Asp1101His; replaces aspartic acid 1101 with histidine.
Molecular consequence: missense variant. On other transcripts: non-coding transcript variant (2).
Genome position (GRCh38, 1-based): chr2:166,036,176, C>G on the plus strand (G>C on the coding strand, the complement: SCN1A is on the minus strand). VCF-style: chr2-166036176-C-G. GRCh37 (hg19) VCF-style: chr2-166892686-C-G.
Other names: c.3217G>C, p.Asp1073His (NM_001165964.3, NM_001353957.2, NM_001353958.2); c.3301G>C, p.Asp1101His (NM_001202435.3, NM_001353948.2); c.3268G>C, p.Asp1090His (NM_001353949.2, NM_001353950.2, NM_001353951.2 and 2 more transcripts); c.3265G>C, p.Asp1089His (NM_001353954.2, NM_001353955.2); c.3214G>C, p.Asp1072His (NM_001353960.2); c.859G>C, p.Asp287His (NM_001353961.2); short protein forms D1089H, D1072H, D1073H, D1090H, D287H, D1101H.
Identifiers: ClinVar variation 2041819 (VCV002041819.4), dbSNP rs1055992012, ClinGen allele CA59787184.